The following is an entry in ClinVar:

NM_004646.4(NPHS1):c.2356_2361dup (p.Leu787_Asp788insSerLeu)

Gene: NPHS1 (NPHS1 adhesion molecule, nephrin; minus strand). Cytogenetic location: 19q13.12.
Variant type: Duplication.
Coding change: c.2356_2361dup on transcript NM_004646.4 (MANE Select); coding-DNA positions 2356 to 2361, 6 bases duplicated (AGCCTG; older notation c.2356_2361dupAGCCTG).
Protein change: p.Leu787_Asp788insSerLeu.
Molecular consequence: inframe insertion.
Genome position (GRCh38, 1-based): chr19:35,842,524-35,842,529, CAGGCT duplicated on the plus strand (AGCCTG on the coding strand, the reverse complement: NPHS1 is on the minus strand); duplicating any 6 consecutive bases within chr19:35,842,524-35,842,530 gives the same sequence; the c. name uses the placement nearest the transcript's 3' end. VCF-style (leftmost placement, unchanged base first): chr19-35842523-C-CCAGGCT. GRCh37 (hg19) VCF-style: chr19-36333425-C-CCAGGCT.
Identifiers: ClinVar variation 5004713 (VCV005004713.1).

ClinVar aggregate classification (germline): Uncertain significance (1 of 4 stars; one submission).

Conditions:
Finnish congenital nephrotic syndrome (NPHS1). Also called: NEPHROTIC SYNDROME, TYPE 1. Identifiers: Orphanet 839, MedGen C0403399, MONDO:0009732, OMIM 256300.

Submission:

Myriad Genetics, Inc.
Classification: Uncertain significance for Finnish congenital nephrotic syndrome. Last evaluated: 2026-06-03. Review status: criteria provided, single submitter. Criteria: Myriad Autosomal Dominant, Autosomal Recessive and X-Linked Classification Criteria (2023). Collection method: clinical testing. Allele origin: unknown.
Comment: NM_004646.3(NPHS1):c.2356_2361dup6(S786_L787dup) is an in-frame insertion classified as a variant of uncertain significance in the context of nephrotic syndrome, NPHS1-related. S786_L787dup has not been observed in cases with relevant disease. Relevant functional assessments of this variant are not available in the literature. S786_L787dup has not been observed in referenced population frequency databases. In summary, there is insufficient evidence to classify NM_004646.3(NPHS1):c.2356_2361dup6(S786_L787dup) as pathogenic or benign. Please note: this variant was assessed in the context of healthy population screening.